The following is an entry in ClinVar:

NM_030962.4(SBF2):c.830A>C (p.His277Pro)

Gene: SBF2 (SET binding factor 2; minus strand). Cytogenetic location: 11p15.4.
Variant type: single nucleotide variant.
Coding change: c.830A>C on transcript NM_030962.4 (MANE Select); coding-DNA position 830, A replaced by C.
Protein change: p.His277Pro; replaces histidine 277 with proline.
Molecular consequence: missense variant.
Genome position (GRCh38, 1-based): chr11:10,000,945, T>G on the plus strand (A>C on the coding strand, the complement: SBF2 is on the minus strand). VCF-style: chr11-10000945-T-G. GRCh37 (hg19) VCF-style: chr11-10022492-T-G.
Other names: c.830A>C, p.His277Pro (NM_001386339.1, NM_001386342.1); short protein forms H277P.
Identifiers: ClinVar variation 1460750 (VCV001460750.5), dbSNP rs1284766357, ClinGen allele CA379641370.

ClinVar aggregate classification (germline): Uncertain significance (1 of 4 stars; one submission).

Conditions:
Charcot-Marie-Tooth disease type 4. Also called: Charcot-Marie-Tooth disease, type IV; Charcot-Marie-Tooth, Type 4. Identifiers: Orphanet 64749, MedGen C4082197, MONDO:0018995.

Allele frequency attached by ClinVar (database versions not stated): TOPMed below 0.00001; gnomAD 0.00001.
gnomAD v4.1: 5 of 1,601,492 alleles (0.00031%); highest among the groups gnomAD compares: Non-Finnish European, 0.00043%; no homozygotes.

Submission:

Labcorp Genetics (formerly Invitae), Labcorp
Classification: Uncertain significance for Charcot-Marie-Tooth disease type 4. Last evaluated: 2021-08-27. Review status: criteria provided, single submitter. Criteria: Invitae Variant Classification Sherloc (09022015). Collection method: clinical testing. Allele origin: germline.
Comment: This sequence change replaces histidine with proline at codon 277 of the SBF2 protein (p.His277Pro). The histidine residue is highly conserved and there is a moderate physicochemical difference between histidine and proline. This variant is not present in population databases (ExAC no frequency). This variant has not been reported in the literature in individuals affected with SBF2-related conditions. Algorithms developed to predict the effect of missense changes on protein structure and function are either unavailable or do not agree on the potential impact of this missense change (SIFT: "Tolerated"; PolyPhen-2: "Probably Damaging"; Align-GVGD: "Class C0"). In summary, the available evidence is currently insufficient to determine the role of this variant in disease. Therefore, it has been classified as a Variant of Uncertain Significance.